The following is an entry in ClinVar:

NM_006254.4(PRKCD):c.256G>A (p.Val86Met)

Gene: PRKCD (protein kinase C delta; plus strand). Cytogenetic location: 3p21.1.
Variant type: single nucleotide variant.
Coding change: c.256G>A on transcript NM_006254.4 (MANE Select); coding-DNA position 256, G replaced by A.
Protein change: p.Val86Met; replaces valine 86 with methionine.
Molecular consequence: missense variant.
Genome position (GRCh38, 1-based): chr3:53,179,717, G>A. VCF-style: chr3-53179717-G-A. GRCh37 (hg19) VCF-style: chr3-53213733-G-A.
Other names: c.256G>A, p.Val86Met (NM_001316327.2, NM_001354679.2, NM_001354680.2 and 1 more transcripts); c.313G>A, p.Val105Met (NM_001354676.2); c.304G>A, p.Val102Met (NM_001354678.2); short protein forms V102M, V105M, V86M.
Identifiers: ClinVar variation 947474 (VCV000947474.9), dbSNP rs782298081, ClinGen allele CA2451715.

ClinVar aggregate classification (germline): Uncertain significance. Review status: criteria provided, multiple submitters, no conflicts (2 of 4 stars). 3 submissions from 3 submitters: Uncertain significance (3). Last evaluated 2026-02-23.

Conditions:
Inborn genetic diseases. Identifiers: MedGen C0950123, MeSH D030342.
Autoimmune lymphoproliferative syndrome, type III caused by mutation in PRKCD. Identifiers: Orphanet 3261, Orphanet 664711, MedGen C3809928, MONDO:8000024, OMIM 615559.

Allele frequency attached by ClinVar (database versions not stated): gnomAD exomes 0.00001 and 0.00002; ExAC 0.00004; gnomAD 0.00001; TOPMed 0.00001.
gnomAD v4.1: 17 of 1,605,096 alleles (0.0011%); highest among the groups gnomAD compares: African/African-American, 0.004%; no homozygotes.

Submissions (3):

Dasa
Classification: Uncertain significance. Last evaluated: 2026-02-23. Review status: criteria provided, single submitter. Criteria: DASA Assertion Criteria. Collection method: clinical testing. Allele origin: germline.
Comment: NM_006254.4(PRKCD):c.256G>A (p.Val86Met) is a missense variant that results in the substitution of valine with methionine. This variant is rare in population databases. The currently available literature and clinical evidence are not sufficient to establish a definitive association between this variant and the reported condition. Therefore, this variant is classified as a variant of uncertain significance.

Labcorp Genetics (formerly Invitae), Labcorp
Classification: Uncertain significance for Autoimmune lymphoproliferative syndrome, type III caused by mutation in PRKCD. Last evaluated: 2024-10-30. Review status: criteria provided, single submitter. Criteria: Invitae Variant Classification Sherloc (09022015). Collection method: clinical testing. Allele origin: germline.
Comment: This sequence change replaces valine, which is neutral and non-polar, with methionine, which is neutral and non-polar, at codon 86 of the PRKCD protein (p.Val86Met). The frequency data for this variant in the population databases is considered unreliable, as metrics indicate poor data quality at this position in the gnomAD database. This variant has not been reported in the literature in individuals affected with PRKCD-related conditions. ClinVar contains an entry for this variant (Variation ID: 947474). An algorithm developed to predict the effect of missense changes on protein structure and function (PolyPhen-2) suggests that this variant is likely to be tolerated. In summary, the available evidence is currently insufficient to determine the role of this variant in disease. Therefore, it has been classified as a Variant of Uncertain Significance.

Ambry Genetics
Classification: Uncertain significance for Inborn genetic diseases. Last evaluated: 2024-10-08. Review status: criteria provided, single submitter. Criteria: Ambry Variant Classification Scheme 2023. Collection method: clinical testing. Allele origin: germline.